The following is an entry in ClinVar:

ClinVar aggregate classification (germline): Uncertain significance. Review status: criteria provided, multiple submitters, no conflicts (2 of 4 stars). 2 submissions from 2 submitters: Uncertain significance (2). Last evaluated 2023-12-25.

Conditions:
Gorlin syndrome. Also called: Nevoid Basal Cell Carcinoma Syndrome; Basal cell nevus syndrome. Identifiers: Orphanet 377, MedGen C0004779, MONDO:0007187.
Medulloblastoma (MDB). Also called: MEDULLOBLASTOMA PREDISPOSITION SYNDROME; Medulloblastoma, somatic. Identifiers: Orphanet 616, MedGen C0025149, MeSH D008527, MONDO:0007959, OMIM 155255, HP:0002885.
Joubert syndrome 32 (JBTS32). Identifiers: MedGen C4540342, MONDO:0033309, OMIM 617757.

Allele frequency attached by ClinVar (database versions not stated): TOPMed below 0.00001.

Submissions (2):

Labcorp Genetics (formerly Invitae), Labcorp
Classification: Uncertain significance for Gorlin syndrome; Medulloblastoma. Last evaluated: 2023-12-25. Review status: criteria provided, single submitter. Criteria: Invitae Variant Classification Sherloc (09022015). Collection method: clinical testing. Allele origin: germline.
Comment: This sequence change replaces glutamine, which is neutral and polar, with proline, which is neutral and non-polar, at codon 432 of the SUFU protein (p.Gln432Pro). This variant is not present in population databases (gnomAD no frequency). This missense change has been observed in individual(s) with autosomal dominant SUFU-related conditions (Invitae). It has also been observed to segregate with disease in related individuals. An algorithm developed to predict the effect of missense changes on protein structure and function (PolyPhen-2) suggests that this variant is likely to be disruptive. RNA analysis performed to evaluate the impact of this missense change on mRNA splicing indicates it does not significantly alter splicing (Invitae). In summary, the available evidence is currently insufficient to determine the role of this variant in disease. Therefore, it has been classified as a Variant of Uncertain Significance.

Victorian Clinical Genetics Services, Murdoch Childrens Research Institute
Classification: Uncertain significance for Joubert syndrome 32. Last evaluated: 2022-02-02. Review status: criteria provided, single submitter. Criteria: ACMG Guidelines, 2015. Collection method: clinical testing. Allele origin: germline. Affected: yes.
Comment: Based on the classification scheme VCGS_Germline_v1.3.4, this variant is classified as VUS-3B. Following criteria are met: 0102 - Loss of function is a known mechanism of disease in this gene and is associated with basal cell nevus syndrome (aka Gorlin syndrome; MIM#109400), Joubert syndrome (MIM#617757), medulloblastoma (MIM#155255), and congenital ocular motor apraxia (PMID: 33024317). (I) 0108 - This gene is associated with both recessive and dominant disease. Biallelic variants have been reported in individuals with Joubert syndrome (MIM#617757), while monoallelic variants are associated with basal cell nevus syndrome (MIM#109400), medulloblastoma (MIM#155255), and congenital ocular motor apraxia. (I) 0112 - The condition associated with this gene has incomplete penetrance. Families with germline variants predisposing to medulloblastoma have been reported to have reduced penetrance (PMID: 19833601). (I) 0200 - Variant is predicted to result in a missense amino acid change from glutamine to proline. (I) 0251 - This variant is heterozygous. (I) 0301 - Variant is absent from gnomAD v2. It is present in gnomAD v3 however it did not pass gnomAD quality control filter. (SP) 0502 - Missense variant with conflicting in silico predictions and high conservation. (I) 0600 - Variant is located in the annotated SUFU C-terminal domain (PFam). (I) 0705 - No comparable missense variants have previous evidence for pathogenicity. (I) 0807 - This variant has no previous evidence of pathogenicity in the germline context. However, it has been reported as a somatic second hit in a patient with medulloblastoma, who also has a germline stopgain variant in SUFU (PMID: 31781912). (I) 0905 - No published segregation evidence has been identified for this variant. (I) 1007 - No published functional evidence has been identified for this variant. (I) Legend: (SP) - Supporting pathogenic, (I) - Information, (SB) - Supporting benign

Literature cited by the submitters: PubMed 19833601 (cited by Victorian Clinical Genetics Services, Murdoch Childrens Research Institute); PubMed 31781912 (cited by Victorian Clinical Genetics Services, Murdoch Childrens Research Institute); PubMed 33024317 (cited by Victorian Clinical Genetics Services, Murdoch Childrens Research Institute).

NM_016169.4(SUFU):c.1295A>C (p.Gln432Pro)

Gene: SUFU (SUFU negative regulator of hedgehog signaling; plus strand). Cytogenetic location: 10q24.32.
Variant type: single nucleotide variant.
Coding change: c.1295A>C on transcript NM_016169.4 (MANE Select); coding-DNA position 1295, A replaced by C.
Protein change: p.Gln432Pro; replaces glutamine 432 with proline.
Molecular consequence: missense variant.
Genome position (GRCh38, 1-based): chr10:102,617,427, A>C. VCF-style: chr10-102617427-A-C. GRCh37 (hg19) VCF-style: chr10-104377184-A-C.
Other names: c.1295A>C, p.Gln432Pro (NM_001178133.2); short protein forms Q432P.
Identifiers: ClinVar variation 2946584 (VCV002946584.4), dbSNP rs1213931205, ClinGen allele CA377916723.